The following is an entry in ClinVar:

ClinVar aggregate classification (germline): Conflicting classifications of pathogenicity. Review status: criteria provided, conflicting classifications (1 of 4 stars). 4 submissions from 4 submitters: Uncertain significance (1); Likely benign (2). 1 of the submissions does not count toward it. Last evaluated 2025-11-24.

Conditions:
VPS33B-related disorder. Also called: VPS33B-related condition.

Allele frequency attached by ClinVar (database versions not stated): gnomAD 0.00049 and 0.00047; 1000 Genomes Project 0.00060; 1000 Genomes Project 30x 0.00062; gnomAD exomes 0.00019; ExAC 0.00021; TOPMed 0.00045; ESP Exome Variant Server 0.00046.
gnomAD v4.1: 193 of 1,614,118 alleles (0.012%); highest among the groups gnomAD compares: African/African-American, 0.16%; no homozygotes.

Submissions (4):

Labcorp Genetics (formerly Invitae), Labcorp
Classification: Likely benign. Last evaluated: 2025-11-24. Review status: criteria provided, single submitter. Criteria: Invitae Variant Classification Sherloc (09022015). Collection method: clinical testing. Allele origin: germline.

Mayo Clinic Laboratories, Mayo Clinic
Classification: Likely benign. Last evaluated: 2025-09-09. Review status: criteria provided, single submitter. Criteria: ACMG Guidelines, 2015. Collection method: clinical testing. Allele origin: germline. Observed: 1 variant allele.
Comment: BS1, BP4, BP7

Eurofins Ntd Llc (ga)
Classification: Uncertain significance. Last evaluated: 2017-07-25. Review status: criteria provided, single submitter. Criteria: EGL Classification Definitions 2015. Collection method: clinical testing. Allele origin: germline. Observed: 3 variant alleles, 3 heterozygotes.

PreventionGenetics, part of Exact Sciences
Classification: Likely benign for VPS33B-related condition. Last evaluated: 2021-07-19. Review status: no assertion criteria provided. Collection method: clinical testing. Allele origin: germline. Not counted in ClinVar's aggregate classification.
Comment: This variant is classified as likely benign based on ACMG/AMP sequence variant interpretation guidelines (Richards et al. 2015 PMID: 25741868, with internal and published modifications).

NM_018668.5(VPS33B):c.1362C>T (p.Ala454=)

Gene: VPS33B (VPS33B late endosome and lysosome associated; minus strand). Cytogenetic location: 15q26.1.
Variant type: single nucleotide variant.
Coding change: c.1362C>T on transcript NM_018668.5 (MANE Select); coding-DNA position 1362, C replaced by T.
Protein change: p.Ala454=; no amino-acid change (alanine 454 retained).
Molecular consequence: synonymous variant.
Genome position (GRCh38, 1-based): chr15:91,002,093, G>A on the plus strand (C>T on the coding strand, the complement: VPS33B is on the minus strand). VCF-style: chr15-91002093-G-A. GRCh37 (hg19) VCF-style: chr15-91545323-G-A.
Other names: p.Ala454=; c.1281C>T, p.Ala427= (NM_001289148.1); c.1089C>T, p.Ala363= (NM_001289149.1).
Identifiers: ClinVar variation 593414 (VCV000593414.16), dbSNP rs142964161, ClinGen allele CA7744673.